The following is an entry in ClinVar:

NM_003285.3(TNR):c.775G>A (p.Glu259Lys)

Gene: TNR (tenascin R; minus strand). Cytogenetic location: 1q25.1.
Variant type: single nucleotide variant.
Coding change: c.775G>A on transcript NM_003285.3 (MANE Select); coding-DNA position 775, G replaced by A.
Protein change: p.Glu259Lys; replaces glutamic acid 259 with lysine.
Molecular consequence: missense variant. On other transcripts: 5 prime UTR variant (1).
Genome position (GRCh38, 1-based): chr1:175,403,341, C>T on the plus strand (G>A on the coding strand, the complement: TNR is on the minus strand). VCF-style: chr1-175403341-C-T. GRCh37 (hg19) VCF-style: chr1-175372477-C-T.
Other names: c.-121G>A (NM_001328635.2); short protein forms E259K.
Identifiers: ClinVar variation 3360748 (VCV003360748.1).

ClinVar aggregate classification (germline): Uncertain significance (1 of 4 stars; one submission).

gnomAD v4.1: 38 of 1,614,026 alleles (0.0024%); highest among the groups gnomAD compares: Admixed American, 0.018%; no homozygotes.

Submission:

GeneDx
Classification: Uncertain significance. Last evaluated: 2023-07-03. Review status: criteria provided, single submitter. Criteria: GeneDx Variant Classification Process June 2021. Collection method: clinical testing. Allele origin: germline. Affected: yes.
Comment: In silico analysis supports that this missense variant does not alter protein structure/function; Has not been previously published as pathogenic or benign to our knowledge